The following is an entry in ClinVar:

ClinVar aggregate classification (germline): Pathogenic (1 of 4 stars; one submission).

Conditions:
Friedreich ataxia 1 (FRDA1). Identifiers: Orphanet 95, MedGen C1856689, MONDO:0100340, OMIM 229300.

Submission:

Kids Neuroscience Centre, Sydney Children's Hospitals Network
Classification: Pathogenic for Friedreich ataxia 1. Review status: criteria provided, single submitter. Criteria: Bournazos AM et al. (Genet Med 2021). Collection method: provider interpretation. Allele origin: maternal, unknown. Inheritance: Autosomal recessive inheritance. Affected: yes and no. Observed: 2 heterozygotes.
Comment: Similar variants previously found to be Pathogenic (VCV000561195)

NM_000144.5(FXN):c.165+1338AAG[180]

Genes: FXN (frataxin; plus strand), LOC108510657 (Friedreich ataxia repeat instability region; plus strand). Cytogenetic location: 9q21.11.
Variant type: Microsatellite.
Coding change: c.165+1338AAG[180] on transcript NM_000144.5 (MANE Select); 180 copies in a row of the 3-base unit AAG starting at c.165+1338.
Molecular consequence: intron variant.
Genome position: GRCh38, VCF-style position (the base before the change): chr9:69,037,284. GRCh37 (hg19), VCF-style position (the base before the change): chr9:71,652,200.
Other names: c.165+1338AAG[180] (NM_181425.3).
Identifiers: ClinVar variation 1065563 (VCV001065563.3), dbSNP rs193922938, ClinGen allele CA2580616204.